The following is an entry in ClinVar:

ClinVar aggregate classification (germline): Uncertain significance. Review status: criteria provided, multiple submitters, no conflicts (2 of 4 stars). 2 submissions from 2 submitters: Uncertain significance (2). Last evaluated 2025-10-01.

Conditions:
Hereditary cancer-predisposing syndrome. Also called: Neoplastic Syndromes, Hereditary; Tumor predisposition; Hereditary neoplastic syndrome; Hereditary Cancer Syndrome. Identifiers: Orphanet 140162, MedGen C0027672, MeSH D009386, MONDO:0015356.
Familial cancer of breast. Also called: hereditary breast carcinoma; BREAST CANCER, FAMILIAL; Hereditary breast cancer. Identifiers: Orphanet 227535, MedGen C0346153, MONDO:0016419, OMIM 114480. Disease mechanism: loss of function.

gnomAD v4.1: 5 of 1,611,156 alleles (0.00031%); highest among the groups gnomAD compares: Non-Finnish European, 0.00042%; no homozygotes.

Submissions (2):

Labcorp Genetics (formerly Invitae), Labcorp
Classification: Uncertain significance for Familial cancer of breast. Last evaluated: 2025-10-01. Review status: criteria provided, single submitter. Criteria: Invitae Variant Classification Sherloc (09022015). Collection method: clinical testing. Allele origin: germline.
Comment: This sequence change replaces cysteine, which is neutral and slightly polar, with phenylalanine, which is neutral and non-polar, at codon 231 of the CHEK2 protein (p.Cys231Phe). This variant is not present in population databases (gnomAD no frequency). This variant has not been reported in the literature in individuals affected with CHEK2-related conditions. ClinVar contains an entry for this variant (Variation ID: 643297). An algorithm developed to predict the effect of missense changes on protein structure and function (PolyPhen-2) suggests that this variant is likely to be disruptive. In summary, the available evidence is currently insufficient to determine the role of this variant in disease. Therefore, it has been classified as a Variant of Uncertain Significance.

Ambry Genetics
Classification: Uncertain significance for Hereditary cancer-predisposing syndrome. Last evaluated: 2022-01-26. Review status: criteria provided, single submitter. Criteria: Ambry Variant Classification Scheme 2023. Collection method: clinical testing. Allele origin: germline.
Comment: The p.C231F variant (also known as c.692G>T), located in coding exon 5 of the CHEK2 gene, results from a G to T substitution at nucleotide position 692. The cysteine at codon 231 is replaced by phenylalanine, an amino acid with highly dissimilar properties. This amino acid position is conserved. In addition, this alteration is predicted to be deleterious by in silico analysis. Since supporting evidence is limited at this time, the clinical significance of this alteration remains unclear.

NM_007194.4(CHEK2):c.692G>T (p.Cys231Phe)

Gene: CHEK2 (checkpoint kinase 2; minus strand). Cytogenetic location: 22q12.1.
Variant type: single nucleotide variant.
Coding change: c.692G>T on transcript NM_007194.4 (MANE Select); coding-DNA position 692, G replaced by T.
Protein change: p.Cys231Phe; replaces cysteine 231 with phenylalanine.
Molecular consequence: missense variant.
Genome position (GRCh38, 1-based): chr22:28,712,009, C>A on the plus strand (G>T on the coding strand, the complement: CHEK2 is on the minus strand). VCF-style: chr22-28712009-C-A. GRCh37 (hg19) VCF-style: chr22-29107997-C-A.
Other names: c.821G>T, p.Cys274Phe (NM_001005735.3); c.29G>T, p.Cys10Phe (NM_001257387.3); c.491G>T, p.Cys164Phe (NM_001349956.3); c.692G>T, p.Cys231Phe (NM_145862.3); short protein forms C164F, C274F, C231F, C10F.
Identifiers: ClinVar variation 643297 (VCV000643297.14), dbSNP rs1555921335, ClinGen allele CA411103492.
Genomic context (GRCh38, chr22:28,712,009, plus strand): 5'-ATGATCTTTATGGCTACTTTCTTACATGTTTTCCTCTCGAAAGCCAGCTTTACCTCTCCA[C>A]AGGCACCACTAGAGGGAAAAACAAAGATAGTGATTGTCTGAATGTTTTTAATTATGAGAC-3'
Protein context (NP_009125.1, residues 221-241): IMSKTLGSGA[Cys231Phe]GEVKLAFERK